The following is an entry in ClinVar:

ClinVar aggregate classification (germline): Uncertain significance (1 of 4 stars; one submission).

gnomAD v4.1: 1 of 1,614,202 alleles (0.000062%); no homozygotes.

Submission:

Labcorp Genetics (formerly Invitae), Labcorp
Classification: Uncertain significance. Last evaluated: 2025-11-03. Review status: criteria provided, single submitter. Criteria: Invitae Variant Classification Sherloc (09022015). Collection method: clinical testing. Allele origin: germline.
Comment: This sequence change replaces aspartic acid, which is acidic and polar, with tyrosine, which is neutral and polar, at codon 353 of the STN1 protein (p.Asp353Tyr). This variant is not present in population databases (gnomAD no frequency). This variant has not been reported in the literature in individuals affected with STN1-related conditions. Invitae Evidence Modeling of protein sequence and biophysical properties (such as structural, functional, and spatial information, amino acid conservation, physicochemical variation, residue mobility, and thermodynamic stability) indicates that this missense variant is expected to disrupt STN1 protein function with a positive predictive value of 80%. In summary, the available evidence is currently insufficient to determine the role of this variant in disease. Therefore, it has been classified as a Variant of Uncertain Significance.

NM_024928.5(STN1):c.1057G>T (p.Asp353Tyr)

Gene: STN1 (STN1 subunit of CST complex; minus strand). Cytogenetic location: 10q24.33.
Variant type: single nucleotide variant.
Coding change: c.1057G>T on transcript NM_024928.5 (MANE Select); coding-DNA position 1057, G replaced by T.
Protein change: p.Asp353Tyr; replaces aspartic acid 353 with tyrosine.
Molecular consequence: missense variant.
Genome position (GRCh38, 1-based): chr10:103,882,734, C>A on the plus strand (G>T on the coding strand, the complement: STN1 is on the minus strand). VCF-style: chr10-103882734-C-A. GRCh37 (hg19) VCF-style: chr10-105642492-C-A.
Other names: short protein forms D353Y.
Identifiers: ClinVar variation 4700953 (VCV004700953.1).
Genomic context (GRCh38, chr10:103,882,734, plus strand): 5'-GTGTCTCTGCTCAGAACGCTGTGTAGTAGTGCTCCATTGTGCTGACAATGTCACTCTGGT[C>A]CTCCAGGAGCTCCAGAACTTGCTGCAGCACAGCCTCGCTCAGGCCCGGGCGGATGCTCAG-3'
Protein context (NP_079204.2, residues 343-363): VLQQVLELLE[Asp353Tyr]QSDIVSTMEH